The following is an entry in ClinVar:

ClinVar aggregate classification (germline): Pathogenic (1 of 4 stars; one submission).

Conditions:
Familial focal epilepsy with variable foci (FPEVF). Identifiers: Orphanet 98820, MedGen C1858477, MONDO:0020310.

Submission:

Labcorp Genetics (formerly Invitae), Labcorp
Classification: Pathogenic for Familial focal epilepsy with variable foci. Last evaluated: 2022-06-13. Review status: criteria provided, single submitter. Criteria: Invitae Variant Classification Sherloc (09022015). Collection method: clinical testing. Allele origin: germline.
Comment: For these reasons, this variant has been classified as Pathogenic. This variant disrupts a region of the DEPDC5 protein in which other variant(s) (p.Asp1565*) have been determined to be pathogenic (PMID: 28549235, 31639411). This suggests that this is a clinically significant region of the protein, and that variants that disrupt it are likely to be disease-causing. ClinVar contains an entry for this variant (Variation ID: 937018). This variant has not been reported in the literature in individuals affected with DEPDC5-related conditions. This variant is not present in population databases (gnomAD no frequency). This sequence change creates a premature translational stop signal (p.Tyr1550*) in the DEPDC5 gene. While this is not anticipated to result in nonsense mediated decay, it is expected to disrupt the last 54 amino acid(s) of the DEPDC5 protein.

Literature cited by the submitters: PubMed 28549235; PubMed 31639411.

NM_001242896.3(DEPDC5):c.4650C>G (p.Tyr1550Ter)

Gene: DEPDC5 (DEP domain containing 5, GATOR1 subcomplex subunit; plus strand). Cytogenetic location: 22q12.3.
Variant type: single nucleotide variant.
Coding change: c.4650C>G on transcript NM_001242896.3 (MANE Select); coding-DNA position 4650, C replaced by G.
Protein change: p.Tyr1550Ter; replaces tyrosine 1550 with a stop codon.
Molecular consequence: nonsense. On other transcripts: non-coding transcript variant (5).
Genome position (GRCh38, 1-based): chr22:31,906,335, C>G. VCF-style: chr22-31906335-C-G. GRCh37 (hg19) VCF-style: chr22-32302321-C-G.
Other names: c.4623C>G, p.Tyr1541Ter (NM_001136029.4); c.4350C>G, p.Tyr1450Ter (NM_001242897.2); c.4584C>G, p.Tyr1528Ter (NM_001363852.2, NM_001364320.2); c.4416C>G, p.Tyr1472Ter (NM_001363854.2, NM_001364319.2); c.4650C>G, p.Tyr1550Ter (NM_001364318.2); c.4566C>G, p.Tyr1522Ter (NM_001369901.1, NM_001369902.1); c.4557C>G, p.Tyr1519Ter (NM_001369903.1, NM_014662.6); short protein forms Y1519*, Y1528*, Y1541*, Y1450*, Y1550*, Y1472*, Y1522*.
Identifiers: ClinVar variation 937018 (VCV000937018.7), dbSNP rs2093758918, ClinGen allele CA411292643.